The following is an entry in ClinVar:

NM_020297.4(ABCC9):c.523A>C (p.Ile175Leu)

Gene: ABCC9 (ATP binding cassette subfamily C member 9; minus strand). Cytogenetic location: 12p12.1.
Variant type: single nucleotide variant.
Coding change: c.523A>C on transcript NM_020297.4 (MANE Select); coding-DNA position 523, A replaced by C.
Protein change: p.Ile175Leu; replaces isoleucine 175 with leucine.
Molecular consequence: missense variant. On other transcripts: intron variant (1).
Genome position (GRCh38, 1-based): chr12:21,916,987, T>G on the plus strand (A>C on the coding strand, the complement: ABCC9 is on the minus strand). VCF-style: chr12-21916987-T-G. GRCh37 (hg19) VCF-style: chr12-22069921-T-G.
Other names: c.523A>C, p.Ile175Leu (NM_001377273.1, NM_005691.4); c.-48-3921A>C (NM_001377274.1); short protein forms I175L.
Identifiers: ClinVar variation 1713446 (VCV001713446.5), dbSNP rs2541747294, ClinGen allele CA384125402.

ClinVar aggregate classification (germline): Uncertain significance (1 of 4 stars; one submission).

Conditions:
Dilated cardiomyopathy 1O (CMD1O). Also called: CARDIOMYOPATHY, DILATED, WITH VENTRICULAR TACHYCARDIA. Identifiers: Orphanet 154, MedGen C1837839, MONDO:0012062, OMIM 608569.

Submission:

Labcorp Genetics (formerly Invitae), Labcorp
Classification: Uncertain significance for Dilated cardiomyopathy 1O. Last evaluated: 2022-07-23. Review status: criteria provided, single submitter. Criteria: Invitae Variant Classification Sherloc (09022015). Collection method: clinical testing. Allele origin: germline.
Comment: In summary, the available evidence is currently insufficient to determine the role of this variant in disease. Therefore, it has been classified as a Variant of Uncertain Significance. Algorithms developed to predict the effect of missense changes on protein structure and function (SIFT, PolyPhen-2, Align-GVGD) all suggest that this variant is likely to be tolerated. This variant has not been reported in the literature in individuals affected with ABCC9-related conditions. This variant is not present in population databases (gnomAD no frequency). This sequence change replaces isoleucine, which is neutral and non-polar, with leucine, which is neutral and non-polar, at codon 175 of the ABCC9 protein (p.Ile175Leu).